The following is an entry in ClinVar:

ClinVar aggregate classification (germline): Uncertain significance (1 of 4 stars; one submission).

Submission:

Labcorp Genetics (formerly Invitae), Labcorp
Classification: Uncertain significance. Last evaluated: 2024-08-19. Review status: criteria provided, single submitter. Criteria: Invitae Variant Classification Sherloc (09022015). Collection method: clinical testing. Allele origin: germline.
Comment: This sequence change replaces aspartic acid, which is acidic and polar, with tyrosine, which is neutral and polar, at codon 586 of the ERCC6L2 protein (p.Asp586Tyr). This variant is not present in population databases (gnomAD no frequency). This variant has not been reported in the literature in individuals affected with ERCC6L2-related conditions. ClinVar contains an entry for this variant (Variation ID: 2064959). Experimental studies and prediction algorithms are not available or were not evaluated, and the functional significance of this variant is currently unknown. In summary, the available evidence is currently insufficient to determine the role of this variant in disease. Therefore, it has been classified as a Variant of Uncertain Significance.

NM_020207.7(ERCC6L2):c.1723G>T (p.Asp575Tyr)

Gene: ERCC6L2 (ERCC excision repair 6 like 2; plus strand). Cytogenetic location: 9q22.32.
Variant type: single nucleotide variant.
Coding change: c.1723G>T on transcript NM_020207.7 (MANE Select); coding-DNA position 1723, G replaced by T.
Protein change: p.Asp575Tyr; replaces aspartic acid 575 with tyrosine.
Molecular consequence: missense variant. On other transcripts: non-coding transcript variant (1).
Genome position (GRCh38, 1-based): chr9:95,928,836, G>T. VCF-style: chr9-95928836-G-T. GRCh37 (hg19) VCF-style: chr9-98691118-G-T.
Other names: c.1723G>T, p.Asp575Tyr (NM_001010895.4, NM_001375291.1, NM_001375292.1 and 2 more transcripts); short protein forms D575Y.
Identifiers: ClinVar variation 2064959 (VCV002064959.4), dbSNP rs1830214997, ClinGen allele CA374126094.
Genomic context (GRCh38, chr9:95,928,836, plus strand): 5'-GATGGAAGTACAAAATCAGAGGAAAGACTCAAGATTGTAAAAGAGTTCAACAGTACACAA[G>T]ATGTTAACATTTGCCTTGTCTCTACAATGTAAGAAAATTAAATTTAATAACTAGATTTTT-3'
Protein context (NP_064592.3, residues 565-585): KIVKEFNSTQ[Asp575Tyr]VNICLVSTMA